The following is an entry in ClinVar:

ClinVar aggregate classification (germline): Uncertain significance (1 of 4 stars; one submission).

Conditions:
Cardiovascular phenotype. Identifiers: MedGen CN230736.
Hereditary cancer-predisposing syndrome. Also called: Tumor predisposition; Neoplastic Syndromes, Hereditary; Hereditary Cancer Syndrome; Hereditary neoplastic syndrome. Identifiers: Orphanet 140162, MedGen C0027672, MeSH D009386, MONDO:0015356.

Submission:

Ambry Genetics
Classification: Uncertain significance for Cardiovascular phenotype; Hereditary cancer-predisposing syndrome. Last evaluated: 2025-03-14. Review status: criteria provided, single submitter. Criteria: Ambry Variant Classification Scheme 2023. Collection method: clinical testing. Allele origin: germline.
Comment: The p.V1291L variant (also known as c.3871G>T) is located in coding exon 29 of the NF1 gene. The valine at codon 1291 is replaced by leucine, an amino acid with highly similar properties. This change occurs in the first base pair of coding exon 29. This amino acid position is conserved. In addition, the in silico prediction for this alteration is inconclusive. Based on the available evidence, the clinical significance of this variant remains unclear.

NM_001042492.3(NF1):c.3871G>T (p.Val1291Leu)

Gene: NF1 (neurofibromin 1; plus strand). Cytogenetic location: 17q11.2.
Variant type: single nucleotide variant.
Coding change: c.3871G>T on transcript NM_001042492.3 (MANE Select); coding-DNA position 3871, G replaced by T.
Protein change: p.Val1291Leu; replaces valine 1291 with leucine.
Molecular consequence: missense variant.
Genome position (GRCh38, 1-based): chr17:31,235,918, G>T. VCF-style: chr17-31235918-G-T. GRCh37 (hg19) VCF-style: chr17-29562936-G-T.
Other names: c.3871G>T, p.Val1291Leu (NM_000267.4); short protein forms V1291L.
Identifiers: ClinVar variation 3879155 (VCV003879155.1).